The following is an entry in ClinVar:

NM_018192.4(P3H2):c.1013A>T (p.Asp338Val)

Gene: P3H2 (prolyl 3-hydroxylase 2; minus strand). Cytogenetic location: 3q28.
Variant type: single nucleotide variant.
Coding change: c.1013A>T on transcript NM_018192.4 (MANE Select); coding-DNA position 1013, A replaced by T.
Protein change: p.Asp338Val; replaces aspartic acid 338 with valine.
Molecular consequence: missense variant.
Genome position (GRCh38, 1-based): chr3:189,987,612, T>A on the plus strand (A>T on the coding strand, the complement: P3H2 is on the minus strand). VCF-style: chr3-189987612-T-A. GRCh37 (hg19) VCF-style: chr3-189705401-T-A.
Other names: c.470A>T, p.Asp157Val (NM_001134418.2); short protein forms D338V, D157V.
Identifiers: ClinVar variation 1046492 (VCV001046492.5), dbSNP rs762551000, ClinGen allele CA89730806.

ClinVar aggregate classification (germline): Uncertain significance (1 of 4 stars; one submission).

Allele frequency attached by ClinVar (database versions not stated): gnomAD exomes below 0.00001 and 0.00002.
gnomAD v4.1: 25 of 1,614,060 alleles (0.0015%); highest among the groups gnomAD compares: Non-Finnish European, 0.0021%; no homozygotes.

Submission:

Labcorp Genetics (formerly Invitae), Labcorp
Classification: Uncertain significance. Last evaluated: 2022-02-04. Review status: criteria provided, single submitter. Criteria: Invitae Variant Classification Sherloc (09022015). Collection method: clinical testing. Allele origin: germline.
Comment: In summary, the available evidence is currently insufficient to determine the role of this variant in disease. Therefore, it has been classified as a Variant of Uncertain Significance. Algorithms developed to predict the effect of missense changes on protein structure and function are either unavailable or do not agree on the potential impact of this missense change (SIFT: "Deleterious"; PolyPhen-2: "Possibly Damaging"; Align-GVGD: "Class C15"). ClinVar contains an entry for this variant (Variation ID: 1046492). This variant has not been reported in the literature in individuals affected with P3H2-related conditions. This variant is not present in population databases (gnomAD no frequency). This sequence change replaces aspartic acid, which is acidic and polar, with valine, which is neutral and non-polar, at codon 338 of the P3H2 protein (p.Asp338Val).